The following is an entry in ClinVar:

ClinVar aggregate classification (germline): Uncertain significance (1 of 4 stars; one submission).

Conditions:
Diamond-Blackfan anemia. Also called: Blackfan Diamond syndrome; Aregenerative anemia chronic congenital; Red cell aplasia, pure hereditary; Congenital hypoplastic anemia; Aase syndrome. Identifiers: Orphanet 124, MedGen C1260899, MeSH D029503, MONDO:0015253, HP:0004810.

Allele frequency attached by ClinVar (database versions not stated): gnomAD exomes below 0.00001.
gnomAD v4.1: 1 of 1,614,112 alleles (0.000062%); highest among the groups gnomAD compares: Non-Finnish European, 0.000085%; no homozygotes.

Submission:

Labcorp Genetics (formerly Invitae), Labcorp
Classification: Uncertain significance for Diamond-Blackfan anemia. Last evaluated: 2022-05-12. Review status: criteria provided, single submitter. Criteria: Invitae Variant Classification Sherloc (09022015). Collection method: clinical testing. Allele origin: germline.
Comment: In summary, the available evidence is currently insufficient to determine the role of this variant in disease. Therefore, it has been classified as a Variant of Uncertain Significance. Algorithms developed to predict the effect of missense changes on protein structure and function (SIFT, PolyPhen-2, Align-GVGD) all suggest that this variant is likely to be tolerated. This variant has not been reported in the literature in individuals affected with RPL11-related conditions. This variant is not present in population databases (gnomAD no frequency). This sequence change replaces arginine, which is basic and polar, with glutamine, which is neutral and polar, at codon 13 of the RPL11 protein (p.Arg13Gln).

NM_000975.5(RPL11):c.38G>A (p.Arg13Gln)

Gene: RPL11 (ribosomal protein L11; plus strand). Cytogenetic location: 1p36.11.
Variant type: single nucleotide variant.
Coding change: c.38G>A on transcript NM_000975.5 (MANE Select); coding-DNA position 38, G replaced by A.
Protein change: p.Arg13Gln; replaces arginine 13 with glutamine.
Molecular consequence: missense variant.
Genome position (GRCh38, 1-based): chr1:23,692,640, G>A. VCF-style: chr1-23692640-G-A. GRCh37 (hg19) VCF-style: chr1-24019130-G-A.
Other names: c.35G>A, p.Arg12Gln (NM_001199802.1); short protein forms R12Q, R13Q.
Identifiers: ClinVar variation 2142315 (VCV002142315.4), dbSNP rs2523394887, ClinGen allele CA338991431.
Genomic context (GRCh38, chr1:23,692,640, plus strand): 5'-GTATTGACTGCTGCTCTTCCCTGTTGCAGCAGGATCAAGGTGAAAAGGAGAACCCCATGC[G>A]GGAACTTCGCATCCGCAAACTCTGTCTCAACATCTGTGTTGGGGAGAGTGGAGACAGACT-3'
Protein context (NP_000966.2, residues 3-23): QDQGEKENPM[Arg13Gln]ELRIRKLCLN